The following is an entry in ClinVar:

NM_152703.5(SAMD9L):c.995T>C (p.Ile332Thr)

Gene: SAMD9L (sterile alpha motif domain containing 9 like; minus strand). Cytogenetic location: 7q21.2.
Variant type: single nucleotide variant.
Coding change: c.995T>C on transcript NM_152703.5 (MANE Select); coding-DNA position 995, T replaced by C.
Protein change: p.Ile332Thr; replaces isoleucine 332 with threonine.
Molecular consequence: missense variant.
Genome position (GRCh38, 1-based): chr7:93,134,977, A>G on the plus strand (T>C on the coding strand, the complement: SAMD9L is on the minus strand). VCF-style: chr7-93134977-A-G. GRCh37 (hg19) VCF-style: chr7-92764290-A-G.
Other names: c.995T>C, p.Ile332Thr (NM_001303496.3, NM_001303497.3, NM_001303498.3 and 5 more transcripts); short protein forms I332T.
Identifiers: ClinVar variation 3723473 (VCV003723473.2).

ClinVar aggregate classification (germline): Uncertain significance (1 of 4 stars; one submission).

Submission:

Labcorp Genetics (formerly Invitae), Labcorp
Classification: Uncertain significance. Last evaluated: 2024-10-21. Review status: criteria provided, single submitter. Criteria: Invitae Variant Classification Sherloc (09022015). Collection method: clinical testing. Allele origin: germline.
Comment: This sequence change replaces isoleucine, which is neutral and non-polar, with threonine, which is neutral and polar, at codon 332 of the SAMD9L protein (p.Ile332Thr). This variant is not present in population databases (gnomAD no frequency). This variant has not been reported in the literature in individuals affected with SAMD9L-related conditions. An algorithm developed to predict the effect of missense changes on protein structure and function outputs the following: PolyPhen-2: "Benign". The threonine amino acid residue is found in multiple mammalian species, which suggests that this missense change does not adversely affect protein function. In summary, the available evidence is currently insufficient to determine the role of this variant in disease. Therefore, it has been classified as a Variant of Uncertain Significance.